The following is an entry in ClinVar:

ClinVar aggregate classification (germline): Uncertain significance. Review status: criteria provided, multiple submitters, no conflicts (2 of 4 stars). 4 submissions from 4 submitters: Uncertain significance (4). Last evaluated 2025-10-28.

Conditions:
Fanconi anemia (FA). Also called: Fanconi's anemia. Identifiers: Orphanet 84, MedGen C0015625, MeSH D005199, MONDO:0019391.
Spermatogenic failure 28. Identifiers: MedGen C4748117, MONDO:0054732, OMIM 618086.
Premature ovarian failure 15. Identifiers: MedGen C4748170, MONDO:0054862, OMIM 618096.

Submissions (4):

Quest Diagnostics Nichols Institute San Juan Capistrano
Classification: Uncertain significance. Last evaluated: 2025-10-28. Review status: criteria provided, single submitter. Criteria: Quest Diagnostics criteria. Collection method: clinical testing. Allele origin: unknown.
Comment: The FANCM c.6061_6063del (p.Glu2021del) variant has been reported in the published literature in an individual with head and neck squamous cell carcinoma (HNSCC) (PMID: 28678401 (2017)). The frequency of this variant in the general population (Genome Aggregation Database) is uninformative in the assessment of its pathogenicity. Based on the available information, we are unable to determine the clinical significance of this variant.

Labcorp Genetics (formerly Invitae), Labcorp
Classification: Uncertain significance for Fanconi anemia. Last evaluated: 2025-04-30. Review status: criteria provided, single submitter. Criteria: Invitae Variant Classification Sherloc (09022015). Collection method: clinical testing. Allele origin: germline.
Comment: This variant, c.6061_6063del, results in the deletion of 1 amino acid(s) of the FANCM protein (p.Glu2021del), but otherwise preserves the integrity of the reading frame. This variant is present in population databases (rs770012987, gnomAD 0.05%). This variant has been observed in individual(s) with head and neck squamous cell carcinoma (PMID: 28678401). ClinVar contains an entry for this variant (Variation ID: 846224). Experimental studies and prediction algorithms are not available or were not evaluated, and the functional significance of this variant is currently unknown. In summary, the available evidence is currently insufficient to determine the role of this variant in disease. Therefore, it has been classified as a Variant of Uncertain Significance.

GeneDx
Classification: Uncertain significance. Last evaluated: 2024-08-14. Review status: criteria provided, single submitter. Criteria: GeneDx Variant Classification Process June 2021. Collection method: clinical testing. Allele origin: germline. Affected: yes.
Comment: In-frame deletion of 1 amino acid in a non-repeat region; In silico analysis supports a deleterious effect on protein structure/function; Observed in individuals with head and neck cancer (PMID: 28678401); This variant is associated with the following publications: (PMID: 28678401)

Fulgent Genetics
Classification: Uncertain significance for Spermatogenic failure 28; Premature ovarian failure 15. Last evaluated: 2022-05-07. Review status: criteria provided, single submitter. Criteria: ACMG Guidelines, 2015. Collection method: clinical testing. Allele origin: unknown.

Literature cited by the submitters: PubMed 28678401 (cited by Quest Diagnostics Nichols Institute San Juan Capistrano and Labcorp Genetics (formerly Invitae), Labcorp).

NM_020937.4(FANCM):c.6058GAG[1] (p.Glu2021del)

Gene: FANCM (FA complementation group M; plus strand). Cytogenetic location: 14q21.2.
Variant type: Microsatellite.
Coding change: c.6058GAG[1] on transcript NM_020937.4 (MANE Select); one copy of the 3-base unit GAG starting at c.6058; the reference has two copies in a row; one copy, 3 bases deleted; also written c.6061_6063del.
Protein change: p.Glu2021del; deletes glutamic acid 2021.
Molecular consequence: inframe deletion.
Genome position (GRCh38, 1-based): chr14:45,199,922-45,199,924, GAG deleted; deleting any 3 consecutive bases within chr14:45,199,919-45,199,924 gives the same sequence; the position shown is the placement nearest the transcript's 3' end. VCF-style (leftmost placement, unchanged base first): chr14-45199918-TGAG-T. GRCh37 (hg19) VCF-style: chr14-45669121-TGAG-T.
Other names: c.6061_6063del (NM_020937.4, NM_020937.3); c.5980GAG[1], p.Glu1995del (NM_001308133.2); short protein forms E1995del, E2021del.
Identifiers: ClinVar variation 846224 (VCV000846224.14), dbSNP rs770012987, ClinGen allele CA7170122.
Genomic context (GRCh38, chr14:45,199,918, plus strand): 5'-TTTATTTTTCAGCTCACTTCAAGAAATCTCCATGTATGCACAAGTAACTCATCAGAAGGC[TGAG>T]GAGATCTATAGATATATTCACTATGTATTTGACATACAAATGTTACCAAATGATCTTAAC-3'